The following is an entry in ClinVar:

ClinVar aggregate classification (germline): Uncertain significance (1 of 4 stars; one submission).

Submission:

GeneDx
Classification: Uncertain significance. Last evaluated: 2019-08-27. Review status: criteria provided, single submitter. Criteria: GeneDx Variant Classification Process June 2021. Collection method: clinical testing. Allele origin: germline. Affected: yes.
Comment: Not observed in large population cohorts (Lek et al., 2016); Frameshift variant predicted to result in protein truncation as the last 153 amino acids are lost and replaced with 63 incorrect amino acids, although loss-of-function variants have not been reported downstream of this position in the protein; Has not been previously published as pathogenic or benign to our knowledge

NM_001278064.2(GRM1):c.3121_3124dup (p.Ser1042fs)

Gene: GRM1 (glutamate metabotropic receptor 1; plus strand). Cytogenetic location: 6q24.3.
Variant type: Duplication.
Coding change: c.3121_3124dup on transcript NM_001278064.2 (MANE Select); coding-DNA positions 3121 to 3124, 4 bases duplicated (TTCA; older notation c.3121_3124dupTTCA).
Protein change: p.Ser1042fs; shifts the reading frame from serine 1042.
Molecular consequence: frameshift variant. On other transcripts: 3 prime UTR variant (3).
Genome position (GRCh38, 1-based): chr6:146,434,332-146,434,335, TTCA duplicated. VCF-style (leftmost placement, unchanged base first): chr6-146434331-C-CTTCA. GRCh37 (hg19) VCF-style: chr6-146755467-C-CTTCA.
Other names: c.*485_*488dup (NM_001278065.2); c.*450_*453dup (NM_001278066.1); c.*359_*362dup (NM_001278067.1); short protein forms S1042fs.
Identifiers: ClinVar variation 1307974 (VCV001307974.2), dbSNP rs2114699585, ClinGen allele CA2573052614.